The following is an entry in ClinVar:

ClinVar aggregate classification (germline): Uncertain significance (1 of 4 stars; one submission).

Conditions:
Long QT syndrome (LQTS). Identifiers: MedGen C0023976, MeSH D008133, MONDO:0002442. Disease mechanism: loss of function. Inheritance: Various modes of inheritance.

Submission:

All of Us Research Program, National Institutes of Health
Classification: Uncertain significance for Long QT syndrome. Last evaluated: 2024-04-25. Review status: criteria provided, single submitter. Criteria: ACMG Guidelines, 2015. Collection method: clinical testing. Allele origin: germline. Inheritance: Autosomal dominant inheritance. Observed: 1 variant allele, 1 heterozygote.
Comment: This missense variant replaces methionine with isoleucine at codon 124 of the KCNH2 protein. Computational prediction suggests that this variant may have deleterious impact on protein structure and function (internally defined REVEL score threshold >= 0.7, PMID: 27666373). To our knowledge, functional studies have not been reported for this variant. This variant has not been reported in individuals affected with KCNH2-related disorders in the literature. This variant has not been identified in the general population by the Genome Aggregation Database (gnomAD). The available evidence is insufficient to determine the role of this variant in disease conclusively. Therefore, this variant is classified as a Variant of Uncertain Significance.

This study involves interpretation of variants in research participants for the purpose of population health screening. Participant phenotype was not available at the time of variant classification. Additional details can be found in publication PMID: 35346344, PMCID: PMC8962531

NM_000238.4(KCNH2):c.372G>A (p.Met124Ile)

Gene: KCNH2 (potassium voltage-gated channel subfamily H member 2; minus strand). Cytogenetic location: 7q36.1.
Variant type: single nucleotide variant.
Coding change: c.372G>A on transcript NM_000238.4 (MANE Select); coding-DNA position 372, G replaced by A.
Protein change: p.Met124Ile; replaces methionine 124 with isoleucine.
Molecular consequence: missense variant. On other transcripts: non-coding transcript variant (1).
Genome position (GRCh38, 1-based): chr7:150,959,672, C>T on the plus strand (G>A on the coding strand, the complement: KCNH2 is on the minus strand). VCF-style: chr7-150959672-C-T. GRCh37 (hg19) VCF-style: chr7-150656760-C-T.
Other names: c.84G>A, p.Met28Ile (NM_001406753.1, NM_001406756.1); c.195G>A, p.Met65Ile (NM_001406755.1); c.72G>A, p.Met24Ile (NM_001406757.1); c.372G>A, p.Met124Ile (NM_172056.3); short protein forms M124I, M24I, M28I, M65I.
Identifiers: ClinVar variation 3386912 (VCV003386912.1).